The following is an entry in ClinVar:

ClinVar aggregate classification (germline): Uncertain significance. Review status: criteria provided, multiple submitters, no conflicts (2 of 4 stars). 4 submissions from 4 submitters: Uncertain significance (4). Last evaluated 2026-01-18.

Conditions:
Autosomal dominant osteopetrosis 1 (OPTA1). Also called: OSTEOPETROSIS, AUTOSOMAL DOMINANT, TYPE I. Identifiers: Orphanet 2783, MedGen C1843330, MONDO:0011877, OMIM 607634.
Bone mineral density quantitative trait locus 1 (BMND1). Identifiers: MedGen C1866079, OMIM 601884.
Worth disease. Also called: ENDOSTEAL HYPEROSTOSIS, AUTOSOMAL DOMINANT; OSTEOSCLEROSIS, AUTOSOMAL DOMINANT; Autosomal dominant osteosclerosis, Worth type. Identifiers: Orphanet 2790, MedGen C0432273, MONDO:0007764, OMIM 144750.
Exudative vitreoretinopathy 4 (EVR4). Identifiers: Orphanet 891, MedGen C1866176, MONDO:0011151, OMIM 601813.
Osteoporosis with pseudoglioma (OPPG). Also called: osteoporosis-pseudoglioma syndrome. Identifiers: Orphanet 2788, MedGen C0432252, MONDO:0009820, OMIM 259770.
Polycystic liver disease 4 with or without kidney cysts. Identifiers: MedGen C4693479, MONDO:0044327, OMIM 617875.
LRP5-related disorder. Also called: LRP5-related condition.

Allele frequency attached by ClinVar (database versions not stated): gnomAD exomes 0.00002; ExAC 0.00003; TOPMed 0.00003; gnomAD 0.00008.
gnomAD v4.1: 46 of 1,613,194 alleles (0.0029%); highest among the groups gnomAD compares: Admixed American, 0.04%; no homozygotes.

Submissions (4):

Labcorp Genetics (formerly Invitae), Labcorp
Classification: Uncertain significance. Last evaluated: 2026-01-18. Review status: criteria provided, single submitter. Criteria: Invitae Variant Classification Sherloc (09022015). Collection method: clinical testing. Allele origin: germline.
Comment: This sequence change replaces arginine, which is basic and polar, with glutamine, which is neutral and polar, at codon 788 of the LRP5 protein (p.Arg788Gln). This variant is present in population databases (rs771972596, gnomAD 0.03%). This missense change has been observed in individual(s) with familial exudative Vitreoretinopathy (PMID: 36018796). ClinVar contains an entry for this variant (Variation ID: 1806574). An algorithm developed to predict the effect of missense changes on protein structure and function outputs the following: PolyPhen-2: "Probably Damaging". The glutamine amino acid residue is found in multiple mammalian species, which suggests that this missense change does not adversely affect protein function. In summary, the available evidence is currently insufficient to determine the role of this variant in disease. Therefore, it has been classified as a Variant of Uncertain Significance.

PreventionGenetics, part of Exact Sciences
Classification: Uncertain significance for LRP5-related condition. Last evaluated: 2025-04-14. Review status: criteria provided, single submitter. Criteria: ACMG Guidelines, 2015. Collection method: clinical testing. Allele origin: germline.
Comment: The LRP5 c.2363G>A variant is predicted to result in the amino acid substitution p.Arg788Gln. This variant has been reported in the heterozygous state in an individual with autosomal dominant familial exudative vitreoretinopathy (Supplementary table 2, Chen et al. 2022. PubMed ID: 36018796) This variant is reported in 0.031% of alleles in individuals of Latino descent in gnomAD. At this time, the clinical significance of this variant is uncertain due to the absence of conclusive functional and genetic evidence.

Fulgent Genetics
Classification: Uncertain significance for Worth disease; Osteoporosis with pseudoglioma; Exudative vitreoretinopathy 4; Bone mineral density quantitative trait locus 1; Autosomal dominant osteopetrosis 1; Polycystic liver disease 4 with or without kidney cysts. Last evaluated: 2024-03-04. Review status: criteria provided, single submitter. Criteria: ACMG Guidelines, 2015. Collection method: clinical testing. Allele origin: germline.

GeneDx
Classification: Uncertain significance. Last evaluated: 2022-06-22. Review status: criteria provided, single submitter. Criteria: GeneDx Variant Classification Process June 2021. Collection method: clinical testing. Allele origin: germline. Affected: yes.
Comment: In silico analysis supports that this missense variant has a deleterious effect on protein structure/function; Has not been previously published as pathogenic or benign to our knowledge

Literature cited by the submitters: PubMed 36018796 (cited by Labcorp Genetics (formerly Invitae), Labcorp).

NM_002335.4(LRP5):c.2363G>A (p.Arg788Gln)

Gene: LRP5 (LDL receptor related protein 5; plus strand). Cytogenetic location: 11q13.2.
Variant type: single nucleotide variant.
Coding change: c.2363G>A on transcript NM_002335.4 (MANE Select); coding-DNA position 2363, G replaced by A.
Protein change: p.Arg788Gln; replaces arginine 788 with glutamine.
Molecular consequence: missense variant.
Genome position (GRCh38, 1-based): chr11:68,411,480, G>A. VCF-style: chr11-68411480-G-A. GRCh37 (hg19) VCF-style: chr11-68178948-G-A.
Other names: c.2363G>A (NM_002335.3); c.620G>A, p.Arg207Gln (NM_001291902.2); short protein forms R207Q, R788Q.
Identifiers: ClinVar variation 1806574 (VCV001806574.8), dbSNP rs771972596, ClinGen allele CA6149617.